The following is an entry in ClinVar:

NM_000053.4(ATP7B):c.2762G>T (p.Ser921Ile)

Gene: ATP7B (ATPase copper transporting beta; minus strand). Cytogenetic location: 13q14.3.
Variant type: single nucleotide variant.
Coding change: c.2762G>T on transcript NM_000053.4 (MANE Select); coding-DNA position 2762, G replaced by T.
Protein change: p.Ser921Ile; replaces serine 921 with isoleucine.
Molecular consequence: missense variant. On other transcripts: intron variant (1).
Genome position (GRCh38, 1-based): chr13:51,949,765, C>A on the plus strand (G>T on the coding strand, the complement: ATP7B is on the minus strand). VCF-style: chr13-51949765-C-A. GRCh37 (hg19) VCF-style: chr13-52523901-C-A.
Other names: c.2429G>T, p.Ser810Ile (NM_001243182.2); c.2528G>T, p.Ser843Ile (NM_001330578.2, NM_001406534.1, NM_001406538.1 and 2 more transcripts); c.2510G>T, p.Ser837Ile (NM_001330579.2, NM_001406532.1, NM_001406540.1 and 1 more transcripts); c.2762G>T, p.Ser921Ile (NM_001406511.1, NM_001406512.1, NM_001406513.1 and 5 more transcripts); c.2729G>T, p.Ser910Ile (NM_001406514.1); c.2666G>T, p.Ser889Ile (NM_001406517.1, NM_001406518.1); c.2618G>T, p.Ser873Ile (NM_001406520.1, NM_001406537.1, NM_001406521.1 and 1 more transcripts); c.2432G>T, p.Ser811Ile (NM_001406536.1); and 9 more; short protein forms S491I, S810I, S843I, S727I, S805I, S841I, S862I, S705I.
Identifiers: ClinVar variation 2083624 (VCV002083624.4), dbSNP rs1230241288, ClinGen allele CA388033823.

ClinVar aggregate classification (germline): Likely pathogenic (1 of 4 stars; one submission).

Conditions:
Wilson disease (WND). Also called: Wilson's disease. Identifiers: Orphanet 905, MedGen C0019202, MONDO:0010200, OMIM 277900. Disease mechanism: loss of function.

Submission:

Labcorp Genetics (formerly Invitae), Labcorp
Classification: Likely pathogenic for Wilson disease. Last evaluated: 2022-02-24. Review status: criteria provided, single submitter. Criteria: Invitae Variant Classification Sherloc (09022015). Collection method: clinical testing. Allele origin: germline.
Comment: In summary, the currently available evidence indicates that the variant is pathogenic, but additional data are needed to prove that conclusively. Therefore, this variant has been classified as Likely Pathogenic. This variant disrupts the p.Ser921 amino acid residue in ATP7B. Other variant(s) that disrupt this residue have been determined to be pathogenic (PMID: 9671269, 32043565; Invitae). This suggests that this residue is clinically significant, and that variants that disrupt this residue are likely to be disease-causing. Advanced modeling of protein sequence and biophysical properties (such as structural, functional, and spatial information, amino acid conservation, physicochemical variation, residue mobility, and thermodynamic stability) performed at Invitae indicates that this missense variant is expected to disrupt ATP7B protein function. This variant has not been reported in the literature in individuals affected with ATP7B-related conditions. This variant is not present in population databases (gnomAD no frequency). This sequence change replaces serine, which is neutral and polar, with isoleucine, which is neutral and non-polar, at codon 921 of the ATP7B protein (p.Ser921Ile).

Literature cited by the submitters: PubMed 9671269; PubMed 32043565.